The following is an entry in ClinVar:

NM_032977.4(CASP10):c.1198G>C (p.Ala400Pro)

Gene: CASP10 (caspase 10; plus strand). Cytogenetic location: 2q33.1.
Variant type: single nucleotide variant.
Coding change: c.1198G>C on transcript NM_032977.4 (MANE Select); coding-DNA position 1198, G replaced by C.
Protein change: p.Ala400Pro; replaces alanine 400 with proline.
Molecular consequence: missense variant. On other transcripts: 3 prime UTR variant (1).
Genome position (GRCh38, 1-based): chr2:201,209,345, G>C. VCF-style: chr2-201209345-G-C. GRCh37 (hg19) VCF-style: chr2-202074068-G-C.
Other names: c.997G>C, p.Ala333Pro (NM_001206524.2); c.1069G>C, p.Ala357Pro (NM_001206542.2, NM_001230.5); c.1198G>C, p.Ala400Pro (NM_032974.5); c.*284G>C (NM_032976.4); short protein forms A357P, A333P, A400P.
Identifiers: ClinVar variation 963070 (VCV000963070.12), dbSNP rs762404236, ClinGen allele CA350292039.

ClinVar aggregate classification (germline): Uncertain significance (1 of 4 stars; one submission).

Conditions:
Autoimmune lymphoproliferative syndrome type 2A (ALPS2A). Also called: Autoimmune lymphoproliferative syndrome type 2; CASP10-Related Autoimmune Lymphoproliferative Syndrome; AUTOIMMUNE LYMPHOPROLIFERATIVE SYNDROME, TYPE IIA. Identifiers: Orphanet 3261, MedGen C1858968, MONDO:0011383, OMIM 603909.

Submission:

Labcorp Genetics (formerly Invitae), Labcorp
Classification: Uncertain significance for Autoimmune lymphoproliferative syndrome type 2A. Last evaluated: 2022-02-24. Review status: criteria provided, single submitter. Criteria: Invitae Variant Classification Sherloc (09022015). Collection method: clinical testing. Allele origin: germline.
Comment: Algorithms developed to predict the effect of sequence changes on RNA splicing suggest that this variant may disrupt the consensus splice site. In summary, the available evidence is currently insufficient to determine the role of this variant in disease. Therefore, it has been classified as a Variant of Uncertain Significance. Algorithms developed to predict the effect of missense changes on protein structure and function (SIFT, PolyPhen-2, Align-GVGD) all suggest that this variant is likely to be disruptive. ClinVar contains an entry for this variant (Variation ID: 963070). This variant has not been reported in the literature in individuals affected with CASP10-related conditions. This variant is not present in population databases (gnomAD no frequency). This sequence change replaces alanine, which is neutral and non-polar, with proline, which is neutral and non-polar, at codon 400 of the CASP10 protein (p.Ala400Pro).